The following is an entry in ClinVar:

ClinVar aggregate classification (germline): Uncertain significance. Review status: criteria provided, multiple submitters, no conflicts (2 of 4 stars). 2 submissions from 2 submitters: Uncertain significance (2). Last evaluated 2025-05-18.

Conditions:
Dilated cardiomyopathy 1JJ (CMD1JJ). Identifiers: Orphanet 154, MedGen C3808935, MONDO:0014095, OMIM 615235.
Cardiovascular phenotype. Identifiers: MedGen CN230736.

Allele frequency attached by ClinVar (database versions not stated): gnomAD exomes below 0.00001 and 0.00002; TOPMed 0.00001.
gnomAD v4.1: 28 of 1,613,452 alleles (0.0017%); highest among the groups gnomAD compares: Non-Finnish European, 0.0022%; no homozygotes.

Submissions (2):

Ambry Genetics
Classification: Uncertain significance for Cardiovascular phenotype. Last evaluated: 2025-05-18. Review status: criteria provided, single submitter. Criteria: Ambry Variant Classification Scheme 2023. Collection method: clinical testing. Allele origin: germline.
Comment: The p.F1667C variant (also known as c.5000T>G), located in coding exon 35 of the LAMA4 gene, results from a T to G substitution at nucleotide position 5000. The phenylalanine at codon 1667 is replaced by cysteine, an amino acid with highly dissimilar properties. This variant was not reported in population based cohorts in the following databases: Database of Single Nucleotide Polymorphisms (dbSNP), NHLBI Exome Sequencing Project (ESP), and 1000 Genomes Project. In the ESP, this variant was not observed in 6503 samples (13006 alleles) with coverage at this position. This amino acid position is well conserved in available vertebrate species. In addition, this alteration is predicted to be deleterious by in silico analysis. Since supporting evidence is limited at this time, the clinical significance of this variant remains unclear.

Labcorp Genetics (formerly Invitae), Labcorp
Classification: Uncertain significance for Dilated cardiomyopathy 1JJ. Last evaluated: 2024-06-28. Review status: criteria provided, single submitter. Criteria: Invitae Variant Classification Sherloc (09022015). Collection method: clinical testing. Allele origin: germline.
Comment: This sequence change replaces phenylalanine, which is neutral and non-polar, with cysteine, which is neutral and slightly polar, at codon 1667 of the LAMA4 protein (p.Phe1667Cys). This variant is present in population databases (no rsID available, gnomAD no frequency). This variant has not been reported in the literature in individuals affected with LAMA4-related conditions. ClinVar contains an entry for this variant (Variation ID: 518525). An algorithm developed to predict the effect of missense changes on protein structure and function (PolyPhen-2) suggests that this variant is likely to be disruptive. In summary, the available evidence is currently insufficient to determine the role of this variant in disease. Therefore, it has been classified as a Variant of Uncertain Significance.

NM_001105206.3(LAMA4):c.5021T>G (p.Phe1674Cys)

Gene: LAMA4 (laminin subunit alpha 4; minus strand). Cytogenetic location: 6q21.
Variant type: single nucleotide variant.
Coding change: c.5021T>G on transcript NM_001105206.3 (MANE Select); coding-DNA position 5021, T replaced by G.
Protein change: p.Phe1674Cys; replaces phenylalanine 1674 with cysteine.
Molecular consequence: missense variant.
Genome position (GRCh38, 1-based): chr6:112,115,954, A>C on the plus strand (T>G on the coding strand, the complement: LAMA4 is on the minus strand). VCF-style: chr6-112115954-A-C. GRCh37 (hg19) VCF-style: chr6-112437157-A-C.
Other names: c.5000T>G (LRG_433t2); c.5000T>G, p.Phe1667Cys (NM_001105207.3, NM_002290.5); short protein forms F1667C, F1674C.
Identifiers: ClinVar variation 518525 (VCV000518525.14), dbSNP rs1209180229, ClinGen allele CA365365303.